The following is an entry in ClinVar:

NM_014974.3(DIP2C):c.655A>C (p.Ile219Leu)

Gene: DIP2C (DIP2 acetate--CoA ligase C (putative); minus strand). Cytogenetic location: 10p15.3.
Variant type: single nucleotide variant.
Coding change: c.655A>C on transcript NM_014974.3 (MANE Select); coding-DNA position 655, A replaced by C.
Protein change: p.Ile219Leu; replaces isoleucine 219 with leucine.
Molecular consequence: missense variant.
Genome position (GRCh38, 1-based): chr10:419,149, T>G on the plus strand (A>C on the coding strand, the complement: DIP2C is on the minus strand). VCF-style: chr10-419149-T-G. GRCh37 (hg19) VCF-style: chr10-465089-T-G.
Other names: short protein forms I219L.
Identifiers: ClinVar variation 4082767 (VCV004082767.2).

ClinVar aggregate classification (germline): Uncertain significance. Review status: criteria provided, multiple submitters, no conflicts (2 of 4 stars). 2 submissions from 2 submitters: Uncertain significance (2). Last evaluated 2025-03-06.

gnomAD v4.1: 2 of 1,614,244 alleles (0.00012%); highest among the groups gnomAD compares: South Asian, 0.0022%; no homozygotes.

Submissions (2):

GeneDx
Classification: Uncertain significance. Last evaluated: 2025-03-06. Review status: criteria provided, single submitter. Criteria: GeneDx Variant Classification Process June 2021. Collection method: clinical testing. Allele origin: germline. Affected: yes.
Comment: Not observed at significant frequency in large population cohorts (gnomAD); In silico analysis indicates that this missense variant does not alter protein structure/function; Has not been previously published as pathogenic or benign to our knowledge

Labcorp Genetics (formerly Invitae), Labcorp
Classification: Uncertain significance. Last evaluated: 2025-02-23. Review status: criteria provided, single submitter. Criteria: Invitae Variant Classification Sherloc (09022015). Collection method: clinical testing. Allele origin: germline.
Comment: This sequence change replaces isoleucine, which is neutral and non-polar, with leucine, which is neutral and non-polar, at codon 219 of the DIP2C protein (p.Ile219Leu). This variant is present in population databases (rs760064790, gnomAD 0.003%). This variant has not been reported in the literature in individuals affected with DIP2C-related conditions. An algorithm developed to predict the effect of missense changes on protein structure and function (PolyPhen-2) suggests that this variant is likely to be tolerated. In summary, the available evidence is currently insufficient to determine the role of this variant in disease. Therefore, it has been classified as a Variant of Uncertain Significance.